The following is an entry in ClinVar:

NM_004637.6(RAB7A):c.520C>T (p.Leu174Phe)

Gene: RAB7A (RAB7A, member RAS oncogene family; plus strand). Cytogenetic location: 3q21.3.
Variant type: single nucleotide variant.
Coding change: c.520C>T on transcript NM_004637.6 (MANE Select); coding-DNA position 520, C replaced by T.
Protein change: p.Leu174Phe; replaces leucine 174 with phenylalanine.
Molecular consequence: missense variant.
Genome position (GRCh38, 1-based): chr3:128,807,663, C>T. VCF-style: chr3-128807663-C-T. GRCh37 (hg19) VCF-style: chr3-128526506-C-T.
Other names: short protein forms L174F.
Identifiers: ClinVar variation 3621326 (VCV003621326.2).
Genomic context (GRCh38, chr3:128,807,663, plus strand): 5'-ACCAGTGCCAAGGAGGCCATCAACGTGGAGCAGGCGTTCCAGACGATTGCACGGAATGCA[C>T]TTAAGCAGGTGGGTCTCCCACAGCTGACCAGCCCACTCTGGTGATGCCTGACCACTGACC-3'
Protein context (NP_004628.4, residues 164-184): QAFQTIARNA[Leu174Phe]KQETEVELYN

ClinVar aggregate classification (germline): Uncertain significance (1 of 4 stars; one submission).

Conditions:
Charcot-Marie-Tooth disease type 2B (CMT2B). Also called: CHARCOT-MARIE-TOOTH DISEASE, AXONAL, TYPE 2B; CHARCOT-MARIE-TOOTH DISEASE, AUTOSOMAL DOMINANT, TYPE 2B; HEREDITARY MOTOR AND SENSORY NEUROPATHY IIB; Charcot-Marie-Tooth Neuropathy Type 2B. Identifiers: Orphanet 99936, MedGen C1833219, MONDO:0010949, OMIM 600882.

gnomAD v4.1: 5 of 1,614,208 alleles (0.00031%); highest among the groups gnomAD compares: Non-Finnish European, 0.00042%; no homozygotes.

Submission:

Labcorp Genetics (formerly Invitae), Labcorp
Classification: Uncertain significance for Charcot-Marie-Tooth disease type 2B. Last evaluated: 2024-07-12. Review status: criteria provided, single submitter. Criteria: Invitae Variant Classification Sherloc (09022015). Collection method: clinical testing. Allele origin: germline.
Comment: This sequence change replaces leucine, which is neutral and non-polar, with phenylalanine, which is neutral and non-polar, at codon 174 of the RAB7A protein (p.Leu174Phe). This variant is not present in population databases (gnomAD no frequency). This variant has not been reported in the literature in individuals affected with RAB7A-related conditions. An algorithm developed to predict the effect of missense changes on protein structure and function (PolyPhen-2) suggests that this variant is likely to be disruptive. In summary, the available evidence is currently insufficient to determine the role of this variant in disease. Therefore, it has been classified as a Variant of Uncertain Significance.